The following is an entry in ClinVar:

ClinVar aggregate classification (germline): Likely benign. Review status: criteria provided, multiple submitters, no conflicts (2 of 4 stars). 5 submissions from 5 submitters: Likely benign (5). Last evaluated 2025-12-09.

Conditions:
Cardiovascular phenotype. Identifiers: MedGen CN230736.
Hypertrophic cardiomyopathy. Also called: HYPERTROPHIC MYOCARDIOPATHY. Identifiers: Orphanet 217569, MedGen C0007194, MeSH D002312, MONDO:0005045, HP:0001639.
MYBPC3-related disorder. Also called: MYBPC3-related disorders; MYBPC3-related condition; MYBPC3-related disease.
Cardiomyopathy (CMYO). Also called: Cardiomyopathies. Identifiers: Orphanet 167848, MedGen C0878544, MONDO:0004994, HP:0001638. Inheritance: Various modes of inheritance.

Allele frequency attached by ClinVar (database versions not stated): gnomAD 0.00001; TOPMed 0.00001; ExAC 0.00007.
gnomAD v4.1: 11 of 1,563,116 alleles (0.0007%); highest among the groups gnomAD compares: African/African-American, 0.0055%; no homozygotes.

Submissions (5):

Labcorp Genetics (formerly Invitae), Labcorp
Classification: Likely benign for Hypertrophic cardiomyopathy. Last evaluated: 2025-12-09. Review status: criteria provided, single submitter. Criteria: Invitae Variant Classification Sherloc (09022015). Collection method: clinical testing. Allele origin: germline.

PreventionGenetics, part of Exact Sciences
Classification: Likely benign for MYBPC3-related condition. Last evaluated: 2024-12-26. Review status: criteria provided, single submitter. Criteria: ACMG Guidelines, 2015. Collection method: clinical testing. Allele origin: germline.
Comment: This variant is classified as likely benign based on ACMG/AMP sequence variant interpretation guidelines (Richards et al. 2015 PMID: 25741868, with internal and published modifications).

Ambry Genetics
Classification: Likely benign for Cardiovascular phenotype. Last evaluated: 2023-08-24. Review status: criteria provided, single submitter. Criteria: Ambry Variant Classification Scheme 2023. Collection method: clinical testing. Allele origin: germline.

All of Us Research Program, National Institutes of Health
Classification: Likely benign for Hypertrophic cardiomyopathy. Last evaluated: 2023-05-31. Review status: criteria provided, single submitter. Criteria: ACMG Guidelines, 2015. Collection method: clinical testing. Allele origin: germline. Inheritance: Autosomal dominant inheritance. Observed: 1 variant allele, 1 heterozygote.
Comment: This study involves interpretation of variants in research participants for the purpose of population health screening. Participant phenotype was not available at the time of variant classification. Additional details can be found in publication PMID: 35346344, PMCID: PMC8962531

Color Diagnostics, LLC DBA Color Health
Classification: Likely benign for Cardiomyopathy. Last evaluated: 2019-11-16. Review status: criteria provided, single submitter. Criteria: ACMG Guidelines, 2015. Collection method: clinical testing. Allele origin: germline.

NM_000256.3(MYBPC3):c.2655G>A (p.Thr885=)

Gene: MYBPC3 (myosin binding protein C3; minus strand). Cytogenetic location: 11p11.2.
Variant type: single nucleotide variant.
Coding change: c.2655G>A on transcript NM_000256.3 (MANE Select); coding-DNA position 2655, G replaced by A.
Protein change: p.Thr885=; no amino-acid change (threonine 885 retained).
Molecular consequence: synonymous variant.
Genome position (GRCh38, 1-based): chr11:47,335,959, C>T on the plus strand (G>A on the coding strand, the complement: MYBPC3 is on the minus strand). VCF-style: chr11-47335959-C-T. GRCh37 (hg19) VCF-style: chr11-47357510-C-T.
Identifiers: ClinVar variation 927240 (VCV000927240.16), dbSNP rs769996102, ClinGen allele CA078894.
Genomic context (GRCh38, chr11:47,335,959, plus strand): 5'-GCTGTAGCCATCCAGGCCTCCTGCTCCCACGCGCTCTGGGGGCCGCCACTTGAGGGAGAC[C>T]GTGGTGTCAGAGACGTCCTCTACTGCCAGGTGGGTGGGTTCGCTGGGGGGACCTGGGCAG-3'
Protein context (NP_000247.2, residues 875-895): HLAVEDVSDT[Thr885=]VSLKWRPPER